The following is an entry in ClinVar:

NM_053025.4(MYLK):c.3377dup (p.Ala1127fs)

Gene: MYLK (myosin light chain kinase; minus strand). Cytogenetic location: 3q21.1.
Variant type: Duplication.
Coding change: c.3377dup on transcript NM_053025.4 (MANE Select); coding-DNA position 3377, one base duplicated (C; older notation c.3377dupC).
Protein change: p.Ala1127fs; shifts the reading frame from alanine 1127.
Molecular consequence: frameshift variant.
Genome position (GRCh38, 1-based): chr3:123,700,091, G duplicated on the plus strand (C on the coding strand, the reverse complement: MYLK is on the minus strand); the first of 6 consecutive G bases (chr3:123,700,091-123,700,096); duplicating any one gives the same sequence. VCF-style (leftmost placement, unchanged base first): chr3-123700090-T-TG. GRCh37 (hg19) VCF-style: chr3-123418937-T-TG.
Other names: c.2849dup, p.Ala951fs (NM_001321309.2); c.3170dup, p.Ala1058fs (NM_053026.4, NM_053028.4); c.3377dup, p.Ala1127fs (NM_053027.4); short protein forms A1058fs, A951fs, A1127fs.
Identifiers: ClinVar variation 3693824 (VCV003693824.2).

ClinVar aggregate classification (germline): Pathogenic (1 of 4 stars; one submission).

Conditions:
Aortic aneurysm, familial thoracic 7 (AAT7). Also called: AORTIC DISSECTION, FAMILIAL, WITH OR WITHOUT AORTIC ANEURYSM. Identifiers: MedGen C3151077, MONDO:0013418, OMIM 613780.

Submission:

Labcorp Genetics (formerly Invitae), Labcorp
Classification: Pathogenic for Aortic aneurysm, familial thoracic 7. Last evaluated: 2024-04-17. Review status: criteria provided, single submitter. Criteria: Invitae Variant Classification Sherloc (09022015). Collection method: clinical testing. Allele origin: germline.
Comment: This sequence change creates a premature translational stop signal (p.Ala1127Serfs*37) in the MYLK gene. This variant occurs within the aortic-specific isoform of MYLK. Loss-of-function variants in the aortic-specific isoform of MYLK are known to be pathogenic for thoracic aortic dissections (PMID: 21055718). This variant is not present in population databases (gnomAD no frequency). This variant has not been reported in the literature in individuals affected with MYLK-related conditions. For these reasons, this variant has been classified as Pathogenic.

Literature cited by the submitters: PubMed 21055718.